The following is an entry in ClinVar:

NM_006206.6(PDGFRA):c.522C>A (p.Ser174Arg)

Gene: PDGFRA (platelet derived growth factor receptor alpha; plus strand). Cytogenetic location: 4q12.
Variant type: single nucleotide variant.
Coding change: c.522C>A on transcript NM_006206.6 (MANE Select); coding-DNA position 522, C replaced by A.
Protein change: p.Ser174Arg; replaces serine 174 with arginine.
Molecular consequence: missense variant.
Genome position (GRCh38, 1-based): chr4:54,263,821, C>A. VCF-style: chr4-54263821-C-A. GRCh37 (hg19) VCF-style: chr4-55129988-C-A.
Other names: c.522C>A, p.Ser174Arg (NM_001347827.2, NM_001347829.2); c.597C>A, p.Ser199Arg (NM_001347828.2); c.561C>A, p.Ser187Arg (NM_001347830.2); short protein forms S199R, S174R, S187R.
Identifiers: ClinVar variation 3659424 (VCV003659424.2).

ClinVar aggregate classification (germline): Uncertain significance (1 of 4 stars; one submission).

Conditions:
Gastrointestinal stromal tumor. Also called: Gastrointestinal stromal tumor, somatic; Gastrointestinal stroma tumor. Identifiers: Orphanet 44890, MedGen C0238198, MeSH D046152, MONDO:0011719, OMIM 606764, HP:0100723.

Submission:

Labcorp Genetics (formerly Invitae), Labcorp
Classification: Uncertain significance for Gastrointestinal stromal tumor. Last evaluated: 2024-07-13. Review status: criteria provided, single submitter. Criteria: Invitae Variant Classification Sherloc (09022015). Collection method: clinical testing. Allele origin: germline.
Comment: This sequence change replaces serine, which is neutral and polar, with arginine, which is basic and polar, at codon 174 of the PDGFRA protein (p.Ser174Arg). This variant is not present in population databases (gnomAD no frequency). This variant has not been reported in the literature in individuals affected with PDGFRA-related conditions. Advanced modeling of protein sequence and biophysical properties (such as structural, functional, and spatial information, amino acid conservation, physicochemical variation, residue mobility, and thermodynamic stability) performed at Invitae indicates that this missense variant is not expected to disrupt PDGFRA protein function with a negative predictive value of 80%. In summary, the available evidence is currently insufficient to determine the role of this variant in disease. Therefore, it has been classified as a Variant of Uncertain Significance.